The following is an entry in ClinVar:

NM_000482.4(APOA4):c.580G>A (p.Val194Met)

Gene: APOA4 (apolipoprotein A4; minus strand). Cytogenetic location: 11q23.3.
Variant type: single nucleotide variant.
Coding change: c.580G>A on transcript NM_000482.4 (MANE Select); coding-DNA position 580, G replaced by A.
Protein change: p.Val194Met; replaces valine 194 with methionine.
Molecular consequence: missense variant.
Genome position (GRCh38, 1-based): chr11:116,821,478, C>T on the plus strand (G>A on the coding strand, the complement: APOA4 is on the minus strand). VCF-style: chr11-116821478-C-T. GRCh37 (hg19) VCF-style: chr11-116692194-C-T.
Other names: short protein forms V194M.
Identifiers: ClinVar variation 3605878 (VCV003605878.2).

ClinVar aggregate classification (germline): Uncertain significance (1 of 4 stars; one submission).

Submission:

Labcorp Genetics (formerly Invitae), Labcorp
Classification: Uncertain significance. Last evaluated: 2024-12-05. Review status: criteria provided, single submitter. Criteria: Invitae Variant Classification Sherloc (09022015). Collection method: clinical testing. Allele origin: germline.
Comment: This sequence change replaces valine, which is neutral and non-polar, with methionine, which is neutral and non-polar, at codon 194 of the APOA4 protein (p.Val194Met). This variant is present in population databases (rs532465339, gnomAD 0.08%), and has an allele count higher than expected for a pathogenic variant. This variant has not been reported in the literature in individuals affected with APOA4-related conditions. Invitae Evidence Modeling of protein sequence and biophysical properties (such as structural, functional, and spatial information, amino acid conservation, physicochemical variation, residue mobility, and thermodynamic stability) indicates that this missense variant is not expected to disrupt APOA4 protein function with a negative predictive value of 80%. In summary, the available evidence is currently insufficient to determine the role of this variant in disease. Therefore, it has been classified as a Variant of Uncertain Significance.